The following is an entry in ClinVar:

ClinVar aggregate classification (germline): Uncertain significance. Review status: criteria provided, multiple submitters, no conflicts (2 of 4 stars). 2 submissions from 2 submitters: Uncertain significance (2). Last evaluated 2021-06-28.

Conditions:
Inborn genetic diseases. Identifiers: MedGen C0950123, MeSH D030342.

gnomAD v4.1: 25 of 1,614,040 alleles (0.0015%); highest among the groups gnomAD compares: Non-Finnish European, 0.0019%; no homozygotes.

Submissions (2):

Ambry Genetics
Classification: Uncertain significance for Inborn genetic diseases. Last evaluated: 2021-06-28. Review status: criteria provided, single submitter. Criteria: Ambry Variant Classification Scheme 2023. Collection method: clinical testing. Allele origin: germline.

Labcorp Genetics (formerly Invitae), Labcorp
Classification: Uncertain significance. Last evaluated: 2021-05-21. Review status: criteria provided, single submitter. Criteria: Invitae Variant Classification Sherloc (09022015). Collection method: clinical testing. Allele origin: germline.
Comment: This sequence change replaces alanine with serine at codon 1366 of the SETBP1 protein (p.Ala1366Ser). The alanine residue is moderately conserved and there is a moderate physicochemical difference between alanine and serine. In summary, the available evidence is currently insufficient to determine the role of this variant in disease. Therefore, it has been classified as a Variant of Uncertain Significance. Algorithms developed to predict the effect of missense changes on protein structure and function output the following: SIFT: "Tolerated"; PolyPhen-2: "Benign"; Align-GVGD: "Class C0". The serine amino acid residue is found in multiple mammalian species, suggesting that this missense change does not adversely affect protein function. These predictions have not been confirmed by published functional studies and their clinical significance is uncertain. This variant has not been reported in the literature in individuals with SETBP1-related conditions. This variant is not present in population databases (ExAC no frequency).

NM_015559.3(SETBP1):c.4096G>T (p.Ala1366Ser)

Gene: SETBP1 (SET binding protein 1; plus strand). Cytogenetic location: 18q12.3.
Variant type: single nucleotide variant.
Coding change: c.4096G>T on transcript NM_015559.3 (MANE Select); coding-DNA position 4096, G replaced by T.
Protein change: p.Ala1366Ser; replaces alanine 1366 with serine.
Molecular consequence: missense variant.
Genome position (GRCh38, 1-based): chr18:45,038,580, G>T. VCF-style: chr18-45038580-G-T. GRCh37 (hg19) VCF-style: chr18-42618545-G-T.
Other names: c.4096G>T, p.Ala1366Ser (NM_001379141.1, NM_001379142.1); c.4096G>T (NM_015559.2); short protein forms A1366S.
Identifiers: ClinVar variation 1359895 (VCV001359895.9), dbSNP rs145549368, ClinGen allele CA299926215.